The following is an entry in ClinVar:

ClinVar aggregate classification (germline): Uncertain significance. Review status: criteria provided, multiple submitters, no conflicts (2 of 4 stars). 3 submissions from 3 submitters: Uncertain significance (3). Last evaluated 2025-03-27.

Conditions:
Inborn genetic diseases. Identifiers: MedGen C0950123, MeSH D030342.

Allele frequency attached by ClinVar (database versions not stated): gnomAD 0.00003 and 0.00004; gnomAD exomes 0.00003 and 0.00005; TOPMed 0.00006; ESP Exome Variant Server 0.00008; ExAC 0.00009.
gnomAD v4.1: 41 of 1,613,566 alleles (0.0025%); highest among the groups gnomAD compares: Middle Eastern, 0.016%; 1 homozygote.

Submissions (3):

Ambry Genetics
Classification: Uncertain significance for Inborn genetic diseases. Last evaluated: 2025-03-27. Review status: criteria provided, single submitter. Criteria: Ambry Variant Classification Scheme 2023. Collection method: clinical testing. Allele origin: germline.

Blueprint Genetics
Classification: Uncertain significance. Last evaluated: 2023-07-11. Review status: criteria provided, single submitter. Criteria: ACMG Guidelines, 2015. Collection method: clinical testing. Allele origin: germline.

Labcorp Genetics (formerly Invitae), Labcorp
Classification: Uncertain significance. Last evaluated: 2022-08-15. Review status: criteria provided, single submitter. Criteria: Invitae Variant Classification Sherloc (09022015). Collection method: clinical testing. Allele origin: germline.
Comment: This sequence change replaces arginine, which is basic and polar, with tryptophan, which is neutral and slightly polar, at codon 335 of the ARHGEF18 protein (p.Arg335Trp). The frequency data for this variant in the population databases is considered unreliable, as metrics indicate poor data quality at this position in the gnomAD database. This variant has not been reported in the literature in individuals affected with ARHGEF18-related conditions. ClinVar contains an entry for this variant (Variation ID: 862205). Algorithms developed to predict the effect of missense changes on protein structure and function (SIFT, PolyPhen-2, Align-GVGD) all suggest that this variant is likely to be disruptive. In summary, the available evidence is currently insufficient to determine the role of this variant in disease. Therefore, it has been classified as a Variant of Uncertain Significance.

NM_001367823.1(ARHGEF18):c.1567C>T (p.Arg523Trp)

Gene: ARHGEF18 (Rho/Rac guanine nucleotide exchange factor 18; plus strand). Cytogenetic location: 19p13.2.
Variant type: single nucleotide variant.
Coding change: c.1567C>T on transcript NM_001367823.1 (MANE Select); coding-DNA position 1567, C replaced by T.
Protein change: p.Arg523Trp; replaces arginine 523 with tryptophan.
Molecular consequence: missense variant.
Genome position (GRCh38, 1-based): chr19:7,444,410, C>T. VCF-style: chr19-7444410-C-T. GRCh37 (hg19) VCF-style: chr19-7509296-C-T.
Other names: c.841C>T, p.Arg281Trp (NM_001130955.2); c.529C>T, p.Arg177Trp (NM_001367824.1, NM_015318.4); short protein forms R177W, R281W, R523W.
Identifiers: ClinVar variation 862205 (VCV000862205.9), dbSNP rs373660949, ClinGen allele CA9136502.